The following is an entry in ClinVar:

ClinVar aggregate classification (germline): Pathogenic. Review status: criteria provided, multiple submitters, no conflicts (2 of 4 stars). 10 submissions from 10 submitters: Pathogenic (9). 1 of the submissions does not count toward it. Last evaluated 2026-02-13.

Conditions:
MYO7A-related disorder. Also called: MYO7A-related disorders.
Usher syndrome type 1 (USH1). Also called: RETINITIS PIGMENTOSA AND CONGENITAL DEAFNESS. Identifiers: Orphanet 231169, Orphanet 886, MedGen C1568247, MONDO:0010168, OMIM 276900.
Autosomal dominant nonsyndromic hearing loss 11. Identifiers: Orphanet 90635, MedGen C1832475, MONDO:0011032, OMIM 601317.
Usher syndrome type 1B (USH1B). Also called: Usher syndrome type IB. Identifiers: MedGen C1848638, MONDO:0700087.
Rare genetic deafness. Identifiers: Orphanet 96210, MedGen C5680250.
Autosomal recessive nonsyndromic hearing loss 2. Also called: DEAFNESS, AUTOSOMAL RECESSIVE 2; NEUROSENSORY NONSYNDROMIC RECESSIVE DEAFNESS 2. Identifiers: Orphanet 90636, MedGen C1838701, MONDO:0010807, OMIM 600060.

Allele frequency attached by ClinVar (database versions not stated): gnomAD exomes 0.00001; TOPMed 0.00001.
gnomAD v4.1: 6 of 1,611,764 alleles (0.00037%); highest among the groups gnomAD compares: Non-Finnish European, 0.00051%; no homozygotes.

Submissions (10):

GeneDx
Classification: Pathogenic. Last evaluated: 2026-02-13. Review status: criteria provided, single submitter. Criteria: GeneDx Variant Classification Process June 2021. Collection method: clinical testing. Allele origin: germline.
Comment: Nonsense variant predicted to result in protein truncation or nonsense mediated decay in a gene for which loss of function is a known mechanism of disease; Not observed at significant frequency in large population cohorts (gnomAD); This variant is associated with the following publications: (PMID: 32531858, 25525159, 34948090, 39273284, 27247959, 16963483, 27460420, 23237960, 34599366, 38594301, 33691693, 22690115, 30358468)

PreventionGenetics, part of Exact Sciences
Classification: Pathogenic for MYO7A-related condition. Last evaluated: 2025-08-13. Review status: criteria provided, single submitter. Criteria: ACMG Guidelines, 2015. Collection method: clinical testing. Allele origin: germline.
Comment: The MYO7A c.52C>T variant is predicted to result in premature protein termination (p.Gln18*). This variant has been reported in the homozygous state or with a second variant in individuals with Usher syndrome and segregated with disease in one family (see, for example: Zhou et al. 2012. PubMed ID: 22690115; Table S1, Bonnet et al. 2016. PubMed ID: 27460420; Watanabe et al. 2024. PubMed ID: 38594301). In gnomAD v2, this variant is absent; however, the quality of this data is questionable and should be treated with caution. In gnomAD v4 (available only on GRCh38), this variant is reported in 0.0005% of alleles in individuals of non-Finnish European descent. Nonsense variants in MYO7A are expected to be pathogenic. This variant is interpreted as pathogenic.

Natera, Inc.
Classification: Pathogenic for Usher syndrome type 1B. Last evaluated: 2024-09-30. Review status: criteria provided, single submitter. Criteria: Natera Variant Classification Schema (03/2026). Collection method: clinical testing. Allele origin: germline.
Comment: The c.52C>T variant in MYO7A is a nonsense variant predicted to introduce a stop codon at amino acid 18. This variant is expected to result in nonsense mediated decay, truncation, or a dysfunctional protein product. This variant is rare in the general population with a frequency below the threshold expected for the associated phenotype(s). This variant has been observed in one or more individuals affected with the associated recessive disease, as either homozygous or compound heterozygous with a second variant (PMID: 22690115). Additionally, this variant has been observed to segregate in affected family members (PMID: 22690115). Given the available evidence, this variant is classified as Pathogenic.

Labcorp Genetics (formerly Invitae), Labcorp
Classification: Pathogenic. Last evaluated: 2023-08-09. Review status: criteria provided, single submitter. Criteria: Invitae Variant Classification Sherloc (09022015). Collection method: clinical testing. Allele origin: germline.
Comment: This sequence change creates a premature translational stop signal (p.Gln18*) in the MYO7A gene. It is expected to result in an absent or disrupted protein product. Loss-of-function variants in MYO7A are known to be pathogenic (PMID: 8900236, 25404053). For these reasons, this variant has been classified as Pathogenic. ClinVar contains an entry for this variant (Variation ID: 504505). This premature translational stop signal has been observed in individuals with Usher syndrome (PMID: 22690115, 23237960). It has also been observed to segregate with disease in related individuals. This variant is not present in population databases (gnomAD no frequency).

3billion
Classification: Pathogenic for Usher syndrome type 1. Last evaluated: 2023-06-28. Review status: criteria provided, single submitter. Criteria: ACMG Guidelines, 2015. Collection method: clinical testing. Allele origin: germline. Affected: yes.
Comment: The variant is not observed in the gnomAD v2.1.1 dataset. Predicted Consequence/Location: Stop-gained (nonsense): predicted to result in a loss or disruption of normal protein function through nonsense-mediated decay (NMD) or protein truncation. Multiple pathogenic variants are reported downstream of the variant. The variant has been reported at least twice as pathogenic with clinical assertions and evidence for the classification (ClinVar ID: VCV000504505 /PMID: 16963483 /3billion dataset). Therefore, this variant is classified as Pathogenic according to the recommendation of ACMG/AMP guideline.

Blueprint Genetics
Classification: Pathogenic for MYO7A-related disorders. Last evaluated: 2021-10-15. Review status: criteria provided, single submitter. Criteria: ACMG Guidelines, 2015. Collection method: clinical testing. Allele origin: germline. Affected: yes. Observed: 5 variant alleles.

Centre for Mendelian Genomics, University Medical Centre Ljubljana
Classification: Pathogenic for Autosomal dominant nonsyndromic hearing loss 11. Last evaluated: 2019-03-12. Review status: criteria provided, single submitter. Criteria: ACMG Guidelines, 2015. Collection method: clinical testing. Allele origin: unknown. Affected: yes.
Comment: This variant was classified as: Pathogenic. The following ACMG criteria were applied in classifying this variant: PVS1,PM2. This variant was detected in homozygous state.

CeGaT Center for Human Genetics Tuebingen
Classification: Pathogenic. Last evaluated: 2017-02-01. Review status: criteria provided, single submitter. Criteria: CeGaT Center For Human Genetics Tuebingen Variant Classification Criteria Version 2. Collection method: clinical testing. Allele origin: germline. Affected: yes. Observed: 1 variant allele.

Laboratory for Molecular Medicine, Mass General Brigham Personalized Medicine
Classification: Pathogenic for Rare genetic deafness. Last evaluated: 2016-06-07. Review status: criteria provided, single submitter. Criteria: LMM Criteria. Collection method: clinical testing. Allele origin: germline. Inheritance: Autosomal recessive inheritance. Observed: 1 variant allele.
Comment: The p.Gln18X variant in MYO7A has been reported in the homozygous or compound he terozygous state in 2 individuals with Usher syndrome type 1 (Zhou 2012, Yoshimu ra 2013). The variant segregated with disease in three family members and was ab sent from control populations. This nonsense variant leads to a premature termin ation codon at position 18, which is predicted to lead to a truncated or absent protein. In summary, this variant meets our criteria to be classified as pathoge nic for Usher syndrome in an autosomal recessive manner.

Counsyl
Classification: Pathogenic for Usher syndrome type 1; Autosomal recessive nonsyndromic hearing loss 2. Last evaluated: 2017-08-18. Review status: no assertion criteria provided. Collection method: clinical testing. Allele origin: unknown. Not counted in ClinVar's aggregate classification.

Literature cited by the submitters: PubMed 22690115 (cited by 3 submitters); PubMed 8900236 (cited by Labcorp Genetics (formerly Invitae), Labcorp); PubMed 25404053 (cited by Labcorp Genetics (formerly Invitae), Labcorp); PubMed 23237960 (cited by Labcorp Genetics (formerly Invitae), Labcorp and Laboratory for Molecular Medicine, Mass General Brigham Personalized Medicine); PubMed 16963483 (cited by 3billion and Laboratory for Molecular Medicine, Mass General Brigham Personalized Medicine); PubMed 25525159 (cited by Laboratory for Molecular Medicine, Mass General Brigham Personalized Medicine); PubMed 27460420 (cited by Counsyl).

NM_000260.4(MYO7A):c.52C>T (p.Gln18Ter)

Gene: MYO7A (myosin VIIA; plus strand). Cytogenetic location: 11q13.5.
Variant type: single nucleotide variant.
Coding change: c.52C>T on transcript NM_000260.4 (MANE Select); coding-DNA position 52, C replaced by T.
Protein change: p.Gln18Ter; replaces glutamine 18 with a stop codon.
Molecular consequence: nonsense.
Genome position (GRCh38, 1-based): chr11:77,142,742, C>T. VCF-style: chr11-77142742-C-T. GRCh37 (hg19) VCF-style: chr11-76853788-C-T.
Other names: c.52C>T, p.Gln18Ter (NM_001127180.2); c.19C>T, p.Gln7Ter (NM_001369365.1); short protein forms Q18*, Q7*.
Identifiers: ClinVar variation 504505 (VCV000504505.62), dbSNP rs1555051455, ClinGen allele CA381947603.